The following is an entry in ClinVar:

ClinVar aggregate classification (germline): Uncertain significance (1 of 4 stars; one submission).

gnomAD v4.1: 5 of 1,614,124 alleles (0.00031%); highest among the groups gnomAD compares: Non-Finnish European, 0.00042%; no homozygotes.

Submission:

Labcorp Genetics (formerly Invitae), Labcorp
Classification: Uncertain significance. Last evaluated: 2025-12-29. Review status: criteria provided, single submitter. Criteria: Invitae Variant Classification Sherloc (09022015). Collection method: clinical testing. Allele origin: germline.
Comment: This sequence change replaces serine, which is neutral and polar, with arginine, which is basic and polar, at codon 184 of the UBE2T protein (p.Ser184Arg). This variant is not present in population databases (gnomAD no frequency). This variant has not been reported in the literature in individuals affected with UBE2T-related conditions. An algorithm developed to predict the effect of missense changes on protein structure and function outputs the following: PolyPhen-2: "Benign". The arginine amino acid residue is found in multiple mammalian species, which suggests that this missense change does not adversely affect protein function. In summary, the available evidence is currently insufficient to determine the role of this variant in disease. Therefore, it has been classified as a Variant of Uncertain Significance.

NM_014176.4(UBE2T):c.552T>A (p.Ser184Arg)

Gene: UBE2T (ubiquitin conjugating enzyme E2 T; minus strand). Cytogenetic location: 1q32.1.
Variant type: single nucleotide variant.
Coding change: c.552T>A on transcript NM_014176.4 (MANE Select); coding-DNA position 552, T replaced by A.
Protein change: p.Ser184Arg; replaces serine 184 with arginine.
Molecular consequence: missense variant.
Genome position (GRCh38, 1-based): chr1:202,331,877, A>T on the plus strand (T>A on the coding strand, the complement: UBE2T is on the minus strand). VCF-style: chr1-202331877-A-T. GRCh37 (hg19) VCF-style: chr1-202301005-A-T.
Other names: c.462T>A, p.Ser154Arg (NM_001310326.2); short protein forms S154R, S184R.
Identifiers: ClinVar variation 4767131 (VCV004767131.1).
Genomic context (GRCh38, chr1:202,331,877, plus strand): 5'-TGAACCAGGACAAGTCCCCTAAACATCAGGATGAAATTTCTTTTCTATGCCTACTAGCTG[A>T]CTGGCCTTCCTTTTCTGTGTTGAGTTGTGTACTCTGGAGTCACCAGCCTCTGGTAGATTA-3'
Protein context (NP_054895.1, residues 174-194): VHNSTQKRKA[Ser184Arg]QLVGIEKKFH